The following is an entry in ClinVar:

NM_004364.5(CEBPA):c.104G>A (p.Arg35Gln)

Gene: CEBPA (CCAAT enhancer binding protein alpha; minus strand). Cytogenetic location: 19q13.11.
Variant type: single nucleotide variant.
Coding change: c.104G>A on transcript NM_004364.5 (MANE Select); coding-DNA position 104, G replaced by A.
Protein change: p.Arg35Gln; replaces arginine 35 with glutamine.
Molecular consequence: missense variant. On other transcripts: 5 prime UTR variant (1).
Genome position (GRCh38, 1-based): chr19:33,302,311, C>T on the plus strand (G>A on the coding strand, the complement: CEBPA is on the minus strand). VCF-style: chr19-33302311-C-T. GRCh37 (hg19) VCF-style: chr19-33793217-C-T.
Other names: c.-254G>A (NM_001285829.2); c.209G>A, p.Arg70Gln (NM_001287424.2); c.62G>A, p.Arg21Gln (NM_001287435.2); c.104G>A (NM_004364.3); short protein forms R21Q, R70Q, R35Q.
Identifiers: ClinVar variation 937506 (VCV000937506.9), dbSNP rs1967200345, ClinGen allele CA405275665.

ClinVar aggregate classification (germline): Uncertain significance. Review status: criteria provided, multiple submitters, no conflicts (2 of 4 stars). 2 submissions from 2 submitters: Uncertain significance (2). Last evaluated 2026-04-22.

Conditions:
Acute myeloid leukemia (AML). Also called: Acute myeloid leukemia, adult; AML adult; Acute non-lymphocytic leukemia; Acute granulocytic leukemia; Leukemia, acute myelogenous, somatic; Leukemia, acute myeloid, somatic. Identifiers: Orphanet 519, MedGen C0023467, MeSH D015470, MONDO:0018874, OMIM 601626, HP:0004808. Disease mechanism: Constitutively activated FLT3.
Inborn genetic diseases. Identifiers: MedGen C0950123, MeSH D030342.

Allele frequency attached by ClinVar (database versions not stated): TOPMed below 0.00001.

Submissions (2):

Ambry Genetics
Classification: Uncertain significance for Inborn genetic diseases. Last evaluated: 2026-04-22. Review status: criteria provided, single submitter. Criteria: Ambry Variant Classification Scheme 2023. Collection method: clinical testing. Allele origin: germline.
Comment: The p.R35Q variant (also known as c.104G>A), located in coding exon 1 of the CEBPA gene, results from a G to A substitution at nucleotide position 104. The arginine at codon 35 is replaced by glutamine, an amino acid with highly similar properties. This amino acid position is conserved. In addition, this alteration is predicted to be tolerated by in silico analysis. Based on the available evidence, the clinical significance of this variant remains unclear.

Labcorp Genetics (formerly Invitae), Labcorp
Classification: Uncertain significance for Acute myeloid leukemia. Last evaluated: 2021-12-04. Review status: criteria provided, single submitter. Criteria: Invitae Variant Classification Sherloc (09022015). Collection method: clinical testing. Allele origin: germline.
Comment: In summary, the available evidence is currently insufficient to determine the role of this variant in disease. Therefore, it has been classified as a Variant of Uncertain Significance. Algorithms developed to predict the effect of missense changes on protein structure and function (SIFT, PolyPhen-2, Align-GVGD) all suggest that this variant is likely to be tolerated. ClinVar contains an entry for this variant (Variation ID: 937506). This variant has not been reported in the literature in individuals affected with CEBPA-related conditions. This variant is not present in population databases (gnomAD no frequency). This sequence change replaces arginine, which is basic and polar, with glutamine, which is neutral and polar, at codon 35 of the CEBPA protein (p.Arg35Gln).